The following is an entry in ClinVar:

ClinVar aggregate classification (germline): Uncertain significance (1 of 4 stars; one submission).

Allele frequency attached by ClinVar (database versions not stated): TOPMed below 0.00001.
gnomAD v4.1: 7 of 1,597,674 alleles (0.00044%); highest among the groups gnomAD compares: East Asian, 0.0022%; no homozygotes.

Submission:

Labcorp Genetics (formerly Invitae), Labcorp
Classification: Uncertain significance. Last evaluated: 2024-01-04. Review status: criteria provided, single submitter. Criteria: Invitae Variant Classification Sherloc (09022015). Collection method: clinical testing. Allele origin: germline.
Comment: This sequence change replaces proline, which is neutral and non-polar, with leucine, which is neutral and non-polar, at codon 1131 of the BRD4 protein (p.Pro1131Leu). This variant is not present in population databases (gnomAD no frequency). This variant has not been reported in the literature in individuals affected with BRD4-related conditions. An algorithm developed to predict the effect of missense changes on protein structure and function (PolyPhen-2) suggests that this variant is likely to be tolerated. In summary, the available evidence is currently insufficient to determine the role of this variant in disease. Therefore, it has been classified as a Variant of Uncertain Significance.

NM_001379291.1(BRD4):c.3392C>T (p.Pro1131Leu)

Gene: BRD4 (bromodomain containing 4; minus strand). Cytogenetic location: 19p13.12.
Variant type: single nucleotide variant.
Coding change: c.3392C>T on transcript NM_001379291.1 (MANE Select); coding-DNA position 3392, C replaced by T.
Protein change: p.Pro1131Leu; replaces proline 1131 with leucine.
Molecular consequence: missense variant.
Genome position (GRCh38, 1-based): chr19:15,239,712, G>A on the plus strand (C>T on the coding strand, the complement: BRD4 is on the minus strand). VCF-style: chr19-15239712-G-A. GRCh37 (hg19) VCF-style: chr19-15350523-G-A.
Other names: c.3392C>T, p.Pro1131Leu (NM_058243.3); short protein forms P1131L.
Identifiers: ClinVar variation 2744992 (VCV002744992.3), dbSNP rs1370534388, ClinGen allele CA404499699.